The following is an entry in ClinVar:

NM_001012301.4(ARSI):c.1015C>T (p.Arg339Trp)

Gene: ARSI (arylsulfatase family member I; minus strand). Cytogenetic location: 5q32.
Variant type: single nucleotide variant.
Coding change: c.1015C>T on transcript NM_001012301.4 (MANE Select); coding-DNA position 1015, C replaced by T.
Protein change: p.Arg339Trp; replaces arginine 339 with tryptophan.
Molecular consequence: missense variant.
Genome position (GRCh38, 1-based): chr5:150,297,909, G>A on the plus strand (C>T on the coding strand, the complement: ARSI is on the minus strand). VCF-style: chr5-150297909-G-A. GRCh37 (hg19) VCF-style: chr5-149677472-G-A.
Other names: short protein forms R339W.
Identifiers: ClinVar variation 1988402 (VCV001988402.6), dbSNP rs149628658, ClinGen allele CA3510188.

ClinVar aggregate classification (germline): Uncertain significance. Review status: criteria provided, multiple submitters, no conflicts (2 of 4 stars). 2 submissions from 2 submitters: Uncertain significance (2). Last evaluated 2025-06-03.

Conditions:
Spastic paraplegia. Identifiers: MedGen C0037772, HP:0001258.

Allele frequency attached by ClinVar (database versions not stated): 1000 Genomes Project 30x 0.00016; 1000 Genomes Project 0.00020; ExAC 0.00025; gnomAD exomes 0.00028; ESP Exome Variant Server 0.00031; TOPMed 0.00031; gnomAD 0.00038.

Submissions (2):

Ambry Genetics
Classification: Uncertain significance. Last evaluated: 2025-06-03. Review status: criteria provided, single submitter. Criteria: Ambry Variant Classification Scheme 2023. Collection method: clinical testing. Allele origin: germline.

Labcorp Genetics (formerly Invitae), Labcorp
Classification: Uncertain significance for Spastic paraplegia. Last evaluated: 2021-12-12. Review status: criteria provided, single submitter. Criteria: Invitae Variant Classification Sherloc (09022015). Collection method: clinical testing. Allele origin: germline.
Comment: This variant is present in population databases (rs149628658, gnomAD 0.09%), and has an allele count higher than expected for a pathogenic variant. This sequence change replaces arginine, which is basic and polar, with tryptophan, which is neutral and slightly polar, at codon 339 of the ARSI protein (p.Arg339Trp). This variant has not been reported in the literature in individuals affected with ARSI-related conditions. Algorithms developed to predict the effect of missense changes on protein structure and function output the following: SIFT: "Deleterious"; PolyPhen-2: "Probably Damaging"; Align-GVGD: "Class C0". The tryptophan amino acid residue is found in multiple mammalian species, which suggests that this missense change does not adversely affect protein function. In summary, the available evidence is currently insufficient to determine the role of this variant in disease. Therefore, it has been classified as a Variant of Uncertain Significance.